The following is an entry in ClinVar:

NM_000092.5(COL4A4):c.4953G>A (p.Trp1651Ter)

Gene: COL4A4 (collagen type IV alpha 4 chain; minus strand). Cytogenetic location: 2q36.3.
Variant type: single nucleotide variant.
Coding change: c.4953G>A on transcript NM_000092.5 (MANE Select); coding-DNA position 4953, G replaced by A.
Protein change: p.Trp1651Ter; replaces tryptophan 1651 with a stop codon.
Molecular consequence: nonsense.
Genome position (GRCh38, 1-based): chr2:227,007,445, C>T on the plus strand (G>A on the coding strand, the complement: COL4A4 is on the minus strand). VCF-style: chr2-227007445-C-T. GRCh37 (hg19) VCF-style: chr2-227872161-C-T.
Other names: short protein forms W1651*.
Identifiers: ClinVar variation 1075428 (VCV001075428.19), dbSNP rs1408907127, ClinGen allele CA351140108.

ClinVar aggregate classification (germline): Pathogenic/Likely pathogenic. Review status: criteria provided, multiple submitters, no conflicts (2 of 4 stars). 9 submissions from 9 submitters: Pathogenic (5); Likely pathogenic (4). Last evaluated 2025-10-20.

Conditions:
Hematuria, benign familial, 1 (BFH1). Also called: THIN MEMBRANE NEPHROPATHY. Identifiers: MedGen CN376803, MONDO:0007709, OMIM 141200.
Autosomal recessive Alport syndrome (ATS2). Also called: COL4A4 Alport Syndrome and Thin Basement Membrane Nephropathy; COL4A3-Related Nephropathy; Alport syndrome type 2; ALPORT SYNDROME 2, AUTOSOMAL RECESSIVE. Identifiers: Orphanet 63, Orphanet 88919, MedGen C4746745, MONDO:0008762, OMIM 203780.
COL4A4-related disorder.
Alport syndrome. Also called: Hemorrhagic familial nephritis; Hemorrhagic hereditary nephritis; Congenital hereditary hematuria. Identifiers: Orphanet 63, MedGen C1567741, MONDO:0018965.
Inborn genetic diseases. Identifiers: MedGen C0950123, MeSH D030342.

Submissions (9):

Natera, Inc.
Classification: Likely pathogenic for Alport syndrome. Last evaluated: 2025-10-20. Review status: criteria provided, single submitter. Criteria: Natera Variant Classification Schema (03/2026). Collection method: clinical testing. Allele origin: germline.
Comment: The c.4953G>A variant in COL4A4 is a nonsense variant predicted to introduce a stop codon at amino acid 1651. This variant may result in a truncated or dysfunctional protein product. This variant is rare in the general population with a frequency below the threshold expected for the associated phenotype(s). This variant has been observed in one or more individuals affected with the associated recessive disease, as either homozygous or compound heterozygous with a second variant (PMID: 34625929, 5369551). This variant has been observed in affected individual(s) with monoallelic occurrence (heterozygous/hemizygous) (PMID: 36253919, 36349777). Given the available evidence, this variant is classified as Likely Pathogenic.

Women's Health and Genetics/Laboratory Corporation of America, LabCorp
Classification: Pathogenic for Autosomal recessive Alport syndrome. Last evaluated: 2025-04-18. Review status: criteria provided, single submitter. Criteria: LabCorp Variant Classification Summary - May 2015. Collection method: clinical testing. Allele origin: germline.
Comment: Variant summary: COL4A4 c.4953G>A (p.Trp1651X) results in a premature termination codon, predicted to cause a truncation of the encoded protein or absence of the protein but is not expected to undergo nonsense mediated decay. The variant was absent in 249528 control chromosomes (gnomAD). c.4953G>A has been observed in compound heterozygous individuals affected with recessive Alport Syndrome and at least one heterozygous individual with features of Alport Syndrome (Horinouchi_2020, Xu_2023, Chen_2021). These data indicate that the variant is likely to be associated with disease. To our knowledge, no experimental evidence demonstrating an impact on protein function has been reported. Several downstream truncations (e.g. p.Q1676*; p.C1683*; p.K1688*; p.Leu1670*) that are associated with Alport syndrome have been reported in HGMD/ClinVar. The following publications have been ascertained in the context of this evaluation (PMID: 3536955, 36349777, 34625929). ClinVar contains an entry for this variant (Variation ID: 1075428). Based on the evidence outlined above, the variant was classified as pathogenic.

Ambry Genetics
Classification: Likely pathogenic for Inborn genetic diseases. Last evaluated: 2025-03-12. Review status: criteria provided, single submitter. Criteria: Ambry Variant Classification Scheme 2023. Collection method: clinical testing. Allele origin: germline.
Comment: The c.4953G>A (p.W1651*) alteration, located in exon 48 (coding exon 47) of the COL4A4 gene, consists of a G to A substitution at nucleotide position 4953. This changes the amino acid from a tryptophan (W) to a stop codon at amino acid position 1651. This alteration occurs at the 3' terminus of the COL4A4 gene, is not expected to trigger nonsense-mediated mRNA decay, and only impacts the last 2% of the protein. However, premature stop codons are typically deleterious in nature. The COL4A4 c.4953G>A alteration was flagged as a low confidence call in the Genome Aggregation Database (gnomAD). This variant was confirmed in trans with a second COL4A4 frameshift variant in twins with clinical and pathological diagnosis of Alport syndrome with features including hematuria, bilateral sensorineural hearing loss, and abnormal renal biopsy (Chen, 2021). In another individual, this variant was identified in conjunction with a second COL4A4 frameshift variant with Alport syndrome with proteinuria and hearing loss (Horinouchi, 2020). This variant was also detected in an individual with childhood-onset of tubulointerstitial kidney disease (Pinto E Vairo, 2021). Based on the available evidence, this alteration is classified as likely pathogenic.

3billion
Classification: Likely pathogenic for Autosomal recessive Alport syndrome. Last evaluated: 2024-11-14. Review status: criteria provided, single submitter. Criteria: ACMG Guidelines, 2015. Collection method: clinical testing. Allele origin: germline. Affected: yes.
Comment: The variant is not observed in the gnomAD v4.1.0 dataset. Predicted Consequence/Location: Stop-gained (nonsense): predicted to result in a loss or disruption of normal protein function through protein truncation. The predicted truncated protein may be shortened by less than 10%. The variant has been reported at least twice as pathogenic with clinical assertions and evidence for the classification (ClinVar ID: VCV001075428 /PMID: 34625929). Therefore, this variant is classified as Likely pathogenic according to the recommendation of ACMG/AMP guideline.

PreventionGenetics, part of Exact Sciences
Classification: Pathogenic for COL4A4-related condition. Last evaluated: 2024-10-30. Review status: criteria provided, single submitter. Criteria: ACMG Guidelines, 2015. Collection method: clinical testing. Allele origin: germline.
Comment: The COL4A4 c.4953G>A variant is predicted to result in premature protein termination (p.Trp1651*). This variant was reported in individuals with autosomal dominant and recessive COL4A4-related Alport syndrome spectrum disorders (see for example, Table S1, Horinouchi et al. 2020. PubMed ID: 35369551; Xu et al. 2022. PubMed ID: 36349777). This variant has not been reported in a large population database (gnomAD), indicating this variant is rare. Nonsense variants in COL4A4 are expected to be pathogenic. This variant is interpreted as pathogenic for both autosomal dominant and recessive COL4A4-related Alport syndrome spectrum disorders.

Victorian Clinical Genetics Services, Murdoch Childrens Research Institute
Classification: Pathogenic for Alport syndrome. Last evaluated: 2024-10-10. Review status: criteria provided, single submitter. Criteria: ACMG Guidelines, 2015. Collection method: clinical testing. Allele origin: germline. Affected: yes.
Comment: Based on the classification scheme VCGS_Germline_v1.3.5, this variant is classified as Pathogenic. Following criteria are met: 0103 - Loss-of-function is a known mechanism of disease for this gene and is associated with COL4A4-related nephropathy. Dominant negative is a suspected mechanism of disease for this gene as it is a structural protein (PMID: 12028435, PMID: 24046192). (I) 0108 - This gene is associated with both recessive and dominant disease. Alport syndrome typically has biallelic inheritance, although rare cases of monoallelic inheritance have been reported (PMID: 28704582). Thin basement membrane nephropathy (TBMN) and focal segmental glomerulosclerosis (FSGS) are associated with autosomal dominant inheritance (OMIM, PMIDs: 16467446, 17942953). (I) 0205 - Variant is predicted to result in a truncated protein (PTV) (premature termination codon is NOT located at least 54 nucleotides upstream of the final exon-exon junction) with less than 1/3 of the protein sequence affected. (SP) 0251 - This variant is heterozygous. (I) 0301 - Variant is absent from gnomAD (v2, v3 and v4). (SP) 0600 - Variant results in the loss of part of the annotated C4 domain (PDB, NCBI). (I) 0701 - Other truncation variants comparable to the one identified in this case have very strong previous evidence for pathogenicity. There are multiple downstream truncating variants with pathogenic reports (ClinVar, DECIPHER). (SP) 0801 - This variant has strong previous evidence of pathogenicity in an unrelated individual. This variant has been reported as pathogenic, and observed in a compound heterozygous patient with Alport syndrome (ClinVar, LOVD, PMID: 35369551). (SP) 1208 - Inheritance information for this variant is not currently available in this individual. (I) Legend: (SP) - Supporting pathogenic, (I) - Information, (SB) - Supporting benign

Labcorp Genetics (formerly Invitae), Labcorp
Classification: Pathogenic. Last evaluated: 2024-09-18. Review status: criteria provided, single submitter. Criteria: Invitae Variant Classification Sherloc (09022015). Collection method: clinical testing. Allele origin: germline.
Comment: This sequence change creates a premature translational stop signal (p.Trp1651*) in the COL4A4 gene. While this is not anticipated to result in nonsense mediated decay, it is expected to disrupt the last 40 amino acid(s) of the COL4A4 protein. This variant is not present in population databases (gnomAD no frequency). This variant has not been reported in the literature in individuals affected with COL4A4-related conditions. ClinVar contains an entry for this variant (Variation ID: 1075428). This variant disrupts a region of the COL4A4 protein in which other variant(s) (p.Arg1682Glyfs*6) have been determined to be pathogenic (internal data). This suggests that this is a clinically significant region of the protein, and that variants that disrupt it are likely to be disease-causing. For these reasons, this variant has been classified as Pathogenic.

Fulgent Genetics
Classification: Pathogenic for Hematuria, benign familial, 1; Autosomal recessive Alport syndrome. Last evaluated: 2024-01-25. Review status: criteria provided, single submitter. Criteria: ACMG Guidelines, 2015. Collection method: clinical testing. Allele origin: germline.

Athena Diagnostics
Classification: Likely pathogenic. Last evaluated: 2022-06-17. Review status: criteria provided, single submitter. Criteria: Athena Diagnostics Criteria. Collection method: clinical testing. Allele origin: unknown.
Comment: This variant is expected to severely disrupt protein function. This variant has been identified in at least one individual with clinical features of Alport syndrome. This variant has not been reported in large, multi-ethnic general populations.

Literature cited by the submitters: PubMed 34625929 (cited by 5 submitters); PubMed 5369551 (cited by Natera, Inc.); PubMed 36253919 (cited by Natera, Inc.); PubMed 36349777 (cited by Natera, Inc. and Women's Health and Genetics/Laboratory Corporation of America, LabCorp); PubMed 3536955 (cited by Women's Health and Genetics/Laboratory Corporation of America, LabCorp); PubMed 34746741 (cited by Ambry Genetics and Athena Diagnostics); PubMed 35369551 (cited by 3 submitters); PubMed 12028435 (cited by Victorian Clinical Genetics Services, Murdoch Childrens Research Institute); PubMed 16467446 (cited by Victorian Clinical Genetics Services, Murdoch Childrens Research Institute); PubMed 17942953 (cited by Victorian Clinical Genetics Services, Murdoch Childrens Research Institute); PubMed 24046192 (cited by Victorian Clinical Genetics Services, Murdoch Childrens Research Institute); PubMed 24854265 (cited by Victorian Clinical Genetics Services, Murdoch Childrens Research Institute); PubMed 28704582 (cited by Victorian Clinical Genetics Services, Murdoch Childrens Research Institute); PubMed 30968591 (cited by Victorian Clinical Genetics Services, Murdoch Childrens Research Institute).